The following is an entry in ClinVar:

NM_000083.3(CLCN1):c.2545G>A (p.Ala849Thr)

Gene: CLCN1 (chloride voltage-gated channel 1; plus strand). Cytogenetic location: 7q34.
Variant type: single nucleotide variant.
Coding change: c.2545G>A on transcript NM_000083.3 (MANE Select); coding-DNA position 2545, G replaced by A.
Protein change: p.Ala849Thr; replaces alanine 849 with threonine.
Molecular consequence: missense variant. On other transcripts: non-coding transcript variant (1).
Genome position (GRCh38, 1-based): chr7:143,350,604, G>A. VCF-style: chr7-143350604-G-A. GRCh37 (hg19) VCF-style: chr7-143047697-G-A.
Other names: short protein forms A849T.
Identifiers: ClinVar variation 359124 (VCV000359124.32), dbSNP rs201861334, ClinGen allele CA4537729.

ClinVar aggregate classification (germline): Conflicting classifications of pathogenicity. Review status: criteria provided, conflicting classifications (1 of 4 stars). 8 submissions from 8 submitters: Uncertain significance (7); Likely benign (1). Last evaluated 2026-09-09.

Conditions:
Dystonia, early-onset, and/or spastic paraplegia. Identifiers: MedGen C5562051, MONDO:0859215, OMIM 619681.
Congenital myotonia, autosomal dominant form (THD). Also called: Myotonia congenita autosomal dominant; THOMSEN DISEASE. Identifiers: Orphanet 614, MedGen C2936781, MONDO:0008055, OMIM 160800.
Congenital myotonia, autosomal recessive form. Also called: Becker Generalized Myotonia; myotonia congenita, autosomal recessive; BECKER DISEASE. Identifiers: Orphanet 614, MedGen C0751360, MONDO:0009715, OMIM 255700.
Batten-Turner congenital myopathy. Also called: Myotonia congenita; Congenital myotonia. Identifiers: Orphanet 206973, MedGen C0027127, MONDO:0100468, OMIM 255300.

Allele frequency attached by ClinVar (database versions not stated): gnomAD exomes 0.00029; TOPMed 0.00029; gnomAD 0.00030 and 0.00028; ExAC 0.00036; 1000 Genomes Project 30x 0.00016; 1000 Genomes Project 0.00020; ESP Exome Variant Server 0.00023.
gnomAD v4.1: 917 of 1,614,100 alleles (0.057%); highest among the groups gnomAD compares: Non-Finnish European, 0.074%; 1 homozygote.

Submissions (8):

GeneDx
Classification: Uncertain significance. Last evaluated: 2026-09-09. Review status: criteria provided, single submitter. Criteria: GeneDx Variant Classification Process June 2021. Collection method: clinical testing. Allele origin: germline.
Comment: Previously reported as a variant of uncertain significance in the heterozygous state in a patient with Schinzel-Giedion syndrome who also harbored a de novo SETBP1 pathogenic variant (PMID: 25852444); In silico analysis supports that this missense variant has a deleterious effect on protein structure/function; This variant is associated with the following publications: (PMID: 31216405, 25852444)

Labcorp Genetics (formerly Invitae), Labcorp
Classification: Uncertain significance for Congenital myotonia, autosomal recessive form; Congenital myotonia, autosomal dominant form. Last evaluated: 2025-01-07. Review status: criteria provided, single submitter. Criteria: Invitae Variant Classification Sherloc (09022015). Collection method: clinical testing. Allele origin: germline.
Comment: This sequence change replaces alanine, which is neutral and non-polar, with threonine, which is neutral and polar, at codon 849 of the CLCN1 protein (p.Ala849Thr). This variant is present in population databases (rs201861334, gnomAD 0.05%), including at least one homozygous and/or hemizygous individual. This missense change has been observed in individual(s) with clinical features of CLCN1-related conditions (PMID: 31216405). ClinVar contains an entry for this variant (Variation ID: 359124). Invitae Evidence Modeling of protein sequence and biophysical properties (such as structural, functional, and spatial information, amino acid conservation, physicochemical variation, residue mobility, and thermodynamic stability) has been performed for this missense variant. However, the output from this modeling did not meet the statistical confidence thresholds required to predict the impact of this variant on CLCN1 protein function. In summary, the available evidence is currently insufficient to determine the role of this variant in disease. Therefore, it has been classified as a Variant of Uncertain Significance.

Fulgent Genetics
Classification: Uncertain significance for Congenital myotonia, autosomal dominant form; Congenital myotonia, autosomal recessive form. Last evaluated: 2024-03-20. Review status: criteria provided, single submitter. Criteria: ACMG Guidelines, 2015. Collection method: clinical testing. Allele origin: germline.

Revvity Omics, Revvity
Classification: Uncertain significance. Last evaluated: 2023-02-27. Review status: criteria provided, single submitter. Criteria: ACMG Guidelines, 2015. Collection method: clinical testing. Allele origin: germline.

Athena Diagnostics
Classification: Uncertain significance. Last evaluated: 2022-08-18. Review status: criteria provided, single submitter. Criteria: Athena Diagnostics Criteria. Collection method: clinical testing. Allele origin: unknown.

Cambridge Genomics Laboratory, East Genomic Laboratory Hub, NHS Genomic Medicine Service
Classification: Uncertain significance for Dystonia, early-onset, and/or spastic paraplegia. Last evaluated: 2020-03-20. Review status: criteria provided, single submitter. Criteria: ACGS Best Practice Guidelines for Variant Classification in Rare Disease 2020. Collection method: clinical testing. Allele origin: germline. Affected: yes. Observed: 1 variant allele.

Illumina Laboratory Services, Illumina
Classification: Likely benign for Myotonia congenita. Last evaluated: 2017-04-27. Review status: criteria provided, single submitter. Criteria: ICSL Variant Classification Criteria 13 December 2019. Collection method: clinical testing. Allele origin: germline.
Comment: This variant was observed as part of a predisposition screen in an ostensibly healthy population. A literature search was performed for the gene, cDNA change, and amino acid change (where applicable). Publications were found based on this search. The evidence from the literature, in combination with allele frequency data from public databases where available, was sufficient to determine this variant is unlikely to cause disease. Therefore, this variant is classified as likely benign.

Baylor Genetics
Classification: Uncertain significance for Congenital myotonia, autosomal dominant form; Congenital myotonia, autosomal recessive form. Last evaluated: 2012-10-17. Review status: criteria provided, single submitter. Criteria: ACMG Guidelines, 2015. Collection method: clinical testing. Allele origin: germline. Affected: yes.

Literature cited by the submitters: PubMed 31216405 (cited by Labcorp Genetics (formerly Invitae), Labcorp and Athena Diagnostics); PubMed 16027167 (cited by Athena Diagnostics and Illumina Laboratory Services, Illumina); PubMed 25852444 (cited by Athena Diagnostics and Illumina Laboratory Services, Illumina).